The following is an entry in ClinVar:

ClinVar aggregate classification (germline): Uncertain significance (1 of 4 stars; one submission).

Conditions:
Immunodeficiency 104. Also called: Severe combined immunodeficiency, autosomal recessive, T cell-negative, B cell-positive, NK cell-positive; Severe Combined Immune Deficiency, Autosomal Recessive, TCell -Negative, B Cell-Positive, NK Cell-Positive, IL7R-Related; SCID, AUTOSOMAL RECESSIVE, T CELL-NEGATIVE, B CELL-POSITIVE, NK CELL-POSITIVE; IMMUNODEFICIENCY 104, SEVERE COMBINED. Identifiers: MedGen C5676890, MONDO:0012163, OMIM 608971.

Submission:

Labcorp Genetics (formerly Invitae), Labcorp
Classification: Uncertain significance for Immunodeficiency 104. Last evaluated: 2022-10-25. Review status: criteria provided, single submitter. Criteria: Invitae Variant Classification Sherloc (09022015). Collection method: clinical testing. Allele origin: germline.
Comment: Algorithms developed to predict the effect of missense changes on protein structure and function (SIFT, PolyPhen-2, Align-GVGD) all suggest that this variant is likely to be disruptive. This variant has not been reported in the literature in individuals affected with PTPRC-related conditions. This variant is not present in population databases (gnomAD no frequency). This sequence change replaces proline, which is neutral and non-polar, with arginine, which is basic and polar, at codon 1131 of the PTPRC protein (p.Pro1131Arg). In summary, the available evidence is currently insufficient to determine the role of this variant in disease. Therefore, it has been classified as a Variant of Uncertain Significance.

NM_002838.5(PTPRC):c.3392C>G (p.Pro1131Arg)

Gene: PTPRC (protein tyrosine phosphatase receptor type C; plus strand). Cytogenetic location: 1q32.1.
Variant type: single nucleotide variant.
Coding change: c.3392C>G on transcript NM_002838.5 (MANE Select); coding-DNA position 3392, C replaced by G.
Protein change: p.Pro1131Arg; replaces proline 1131 with arginine.
Molecular consequence: missense variant.
Genome position (GRCh38, 1-based): chr1:198,752,655, C>G. VCF-style: chr1-198752655-C-G. GRCh37 (hg19) VCF-style: chr1-198721784-C-G.
Other names: c.2909C>G, p.Pro970Arg (NM_080921.4); short protein forms P1131R, P970R.
Identifiers: ClinVar variation 2055405 (VCV002055405.4), dbSNP rs2528049186, ClinGen allele CA344054675.
Genomic context (GRCh38, chr1:198,752,655, plus strand): 5'-GGAAAGACTCTCGAACTGTGTACCAGTACCAATATACAAACTGGAGTGTGGAGCAGCTTC[C>G]TGCAGAACCCAAGGAATTAATCTCTATGATTCAGGTCGTCAAACAAAAACTTCCCCAGAA-3'
Protein context (NP_002829.3, residues 1121-1141): QYTNWSVEQL[Pro1131Arg]AEPKELISMI